The following is an entry in ClinVar:

ClinVar aggregate classification (germline): Uncertain significance (1 of 4 stars; one submission).

Submission:

Labcorp Genetics (formerly Invitae), Labcorp
Classification: Uncertain significance. Last evaluated: 2022-02-03. Review status: criteria provided, single submitter. Criteria: Invitae Variant Classification Sherloc (09022015). Collection method: clinical testing. Allele origin: germline.
Comment: In summary, the available evidence is currently insufficient to determine the role of this variant in disease. Therefore, it has been classified as a Variant of Uncertain Significance. Algorithms developed to predict the effect of missense changes on protein structure and function are either unavailable or do not agree on the potential impact of this missense change (SIFT: "Not Available"; PolyPhen-2: "Benign"; Align-GVGD: "Not Available"). This variant has not been reported in the literature in individuals affected with POGLUT1-related conditions. This variant is not present in population databases (gnomAD no frequency). This sequence change replaces glutamine, which is neutral and polar, with lysine, which is basic and polar, at codon 304 of the POGLUT1 protein (p.Gln304Lys).

NM_152305.3(POGLUT1):c.910C>A (p.Gln304Lys)

Gene: POGLUT1 (protein O-glucosyltransferase 1; plus strand). Cytogenetic location: 3q13.33.
Variant type: single nucleotide variant.
Coding change: c.910C>A on transcript NM_152305.3 (MANE Select); coding-DNA position 910, C replaced by A.
Protein change: p.Gln304Lys; replaces glutamine 304 with lysine.
Molecular consequence: missense variant. On other transcripts: non-coding transcript variant (1).
Genome position (GRCh38, 1-based): chr3:119,490,663, C>A. VCF-style: chr3-119490663-C-A. GRCh37 (hg19) VCF-style: chr3-119209510-C-A.
Other names: c.910C>A, p.Gln304Lys (NM_020231.3); short protein forms Q304K.
Identifiers: ClinVar variation 2092614 (VCV002092614.4), dbSNP rs2473049790, ClinGen allele CA354047484.